The following is an entry in ClinVar:

ClinVar aggregate classification (germline): Uncertain significance. Review status: criteria provided, multiple submitters, no conflicts (2 of 4 stars). 8 submissions from 8 submitters: Uncertain significance (7). 1 of the submissions does not count toward it. Last evaluated 2025-12-31.

Conditions:
BRCA1-related cancer predisposition. Identifiers: MedGen CN377757, MONDO:0700268.
BRCA1-related disorder. Also called: BRCA1-related condition.
Hereditary cancer-predisposing syndrome. Also called: Hereditary Cancer Syndrome; Tumor predisposition; Hereditary neoplastic syndrome; Neoplastic Syndromes, Hereditary. Identifiers: Orphanet 140162, MedGen C0027672, MeSH D009386, MONDO:0015356.
Hereditary breast ovarian cancer syndrome. Also called: Hereditary breast and/or ovarian cancer syndrome; Breast and ovarian cancer; BRCA1- and BRCA2-Associated Hereditary Breast and Ovarian Cancer; Hereditary breast and ovarian cancer syndrome (HBOC); Hereditary breast and ovarian cancer syndrome; Hereditary breast and ovarian cancer. Identifiers: Orphanet 145, MedGen C0677776, MeSH D061325, MONDO:0003582. Disease mechanism: loss of function.

Submissions (8):

Labcorp Genetics (formerly Invitae), Labcorp
Classification: Uncertain significance for Hereditary breast ovarian cancer syndrome. Last evaluated: 2025-12-31. Review status: criteria provided, single submitter. Criteria: Invitae Variant Classification Sherloc (09022015). Collection method: clinical testing. Allele origin: germline.
Comment: This sequence change replaces alanine, which is neutral and non-polar, with threonine, which is neutral and polar, at codon 1481 of the BRCA1 protein (p.Ala1481Thr). This variant is not present in population databases (gnomAD no frequency). This variant has not been reported in the literature in individuals affected with BRCA1-related conditions. ClinVar contains an entry for this variant (Variation ID: 431186). Invitae Evidence Modeling of protein sequence and biophysical properties (such as structural, functional, and spatial information, amino acid conservation, physicochemical variation, residue mobility, and thermodynamic stability) indicates that this missense variant is not expected to disrupt BRCA1 protein function with a negative predictive value of 95%. In summary, the available evidence is currently insufficient to determine the role of this variant in disease. Therefore, it has been classified as a Variant of Uncertain Significance.

Color Diagnostics, LLC DBA Color Health
Classification: Uncertain significance for Hereditary cancer-predisposing syndrome. Last evaluated: 2025-12-16. Review status: criteria provided, single submitter. Criteria: ACMG Guidelines, 2015. Collection method: clinical testing. Allele origin: germline.
Comment: This missense variant replaces alanine with threonine at codon 1481 of the BRCA1 protein. Computational prediction suggests that this variant may not impact protein structure and function. To our knowledge, functional studies have not been reported for this variant. This variant has been reported in an individual without cancer and detected in a breast cancer case-control meta-analysis in 1/53461 unaffected individuals and absent in 60466 cases (PMID: 32817299, 33471991LOVD DB-ID BRCA1_006229). Multifactorial analysis reached a combined likelihood ratio (LR) of 0.081 based on breast cancer case-control data on fewer than 5 carriers and the personal and family history for 1 carrier (PMID: 31853058, 40413188). This variant has not been identified in the general population by the Genome Aggregation Database (gnomAD). Although there is a suspicion that this variant may not be associated with disease, additional studies are necessary to determine the role of this variant in disease conclusively. Therefore, this variant is classified as a Variant of Uncertain Significance.

Ambry Genetics
Classification: Uncertain significance for Hereditary cancer-predisposing syndrome. Last evaluated: 2025-06-27. Review status: criteria provided, single submitter. Criteria: Ambry Variant Classification Scheme 2023. Collection method: clinical testing. Allele origin: germline.
Comment: The p.A1481T variant (also known as c.4441G>A), located in coding exon 12 of the BRCA1 gene, results from a G to A substitution at nucleotide position 4441. The alanine at codon 1481 is replaced by threonine, an amino acid with similar properties. This amino acid position is poorly conserved in available vertebrate species. In addition, this alteration is predicted to be tolerated by in silico analysis. Based on the available evidence, the clinical significance of this variant remains unclear.

PreventionGenetics, part of Exact Sciences
Classification: Uncertain significance for BRCA1-related condition. Last evaluated: 2025-05-13. Review status: criteria provided, single submitter. Criteria: ACMG Guidelines, 2015. Collection method: clinical testing. Allele origin: germline.
Comment: The BRCA1 c.4441G>A variant is predicted to result in the amino acid substitution p.Ala1481Thr. To our knowledge, this variant has not been reported in the literature or in a large population database (gnomAD), indicating this variant is rare. This variant is classified as uncertain in ClinVar. At this time, the clinical significance of this variant is uncertain due to the absence of conclusive functional and genetic evidence.

All of Us Research Program, National Institutes of Health
Classification: Uncertain significance for BRCA1-related cancer predisposition. Last evaluated: 2024-04-16. Review status: criteria provided, single submitter. Criteria: ACMG Guidelines, 2015. Collection method: clinical testing. Allele origin: germline. Inheritance: Autosomal dominant inheritance. Observed: 1 variant allele, 1 heterozygote.
Comment: This missense variant replaces alanine with threonine at codon 1481 of the BRCA1 protein. Computational prediction suggests that this variant may not impact protein structure and function (internally defined REVEL score threshold <= 0.5, PMID: 27666373). To our knowledge, functional studies have not been reported for this variant. This variant has been reported in a breast cancer case-control study in one unaffected individual and absent in cases (PMID: 33471991; Leiden Open Variation Database DB-ID BRCA1_006229). This variant has not been identified in the general population by the Genome Aggregation Database (gnomAD). The available evidence is insufficient to determine the role of this variant in disease conclusively. Therefore, this variant is classified as a Variant of Uncertain Significance.

This study involves interpretation of variants in research participants for the purpose of population health screening. Participant phenotype was not available at the time of variant classification. Additional details can be found in publication PMID: 35346344, PMCID: PMC8962531

Quest Diagnostics Nichols Institute San Juan Capistrano
Classification: Uncertain significance. Last evaluated: 2024-01-15. Review status: criteria provided, single submitter. Criteria: Quest Diagnostics criteria. Collection method: clinical testing. Allele origin: unknown.
Comment: The BRCA1 c.4441G>A (p.Ala1481Thr) variant has been reported in the published literature in a reportedly healthy individual (PMID: 33471991 (2021), see also LOVD). This variant has not been reported in large, multi-ethnic general populations (Genome Aggregation Database). Analysis of this variant using bioinformatics tools for the prediction of the effect of amino acid changes on protein structure and function yielded predictions that this variant is benign. Based on the available information, we are unable to determine the clinical significance of this variant.

Women's Health and Genetics/Laboratory Corporation of America, LabCorp
Classification: Uncertain significance. Last evaluated: 2021-01-21. Review status: criteria provided, single submitter. Criteria: LabCorp Variant Classification Summary - May 2015. Collection method: clinical testing. Allele origin: germline.
Comment: Variant summary: BRCA1 c.4441G>A (p.Ala1481Thr) results in a non-conservative amino acid change in the encoded protein sequence. Four of five in-silico tools predict a benign effect of the variant on protein function. The variant was absent in 251268 control chromosomes. The available data on variant occurrences in the general population are insufficient to allow any conclusion about variant significance. To our knowledge, no occurrence of c.4441G>A in individuals affected with Hereditary Breast And Ovarian Cancer Syndrome and no experimental evidence demonstrating its impact on protein function have been reported. Five clinical diagnostic laboratories have submitted clinical-significance assessments for this variant to ClinVar after 2014 without evidence for independent evaluation. All laboratories classified the variant as uncertain significance. Based on the evidence outlined above, the variant was classified as uncertain significance.

Cancer Genetics and Genomics Laboratory, British Columbia Cancer Agency
Classification: Uncertain significance for Hereditary breast ovarian cancer syndrome. Last evaluated: 2016-04-14. Review status: no assertion criteria provided. Collection method: clinical testing. Allele origin: germline. Study: The Canadian Open Genetics Repository (COGR). Not counted in ClinVar's aggregate classification.

Literature cited by the submitters: PubMed 31853058 (cited by Color Diagnostics, LLC DBA Color Health); PubMed 32817299 (cited by Color Diagnostics, LLC DBA Color Health); PubMed 33471991 (cited by 3 submitters); PubMed 40413188 (cited by Color Diagnostics, LLC DBA Color Health).

NM_007294.4(BRCA1):c.4441G>A (p.Ala1481Thr)

Gene: BRCA1 (BRCA1 DNA repair associated; minus strand). Cytogenetic location: 17q21.31.
Variant type: single nucleotide variant.
Coding change: c.4441G>A on transcript NM_007294.4 (MANE Select); coding-DNA position 4441, G replaced by A.
Protein change: p.Ala1481Thr; replaces alanine 1481 with threonine.
Molecular consequence: missense variant. On other transcripts: non-coding transcript variant (1).
Genome position (GRCh38, 1-based): chr17:43,076,531, C>T on the plus strand (G>A on the coding strand, the complement: BRCA1 is on the minus strand). VCF-style: chr17-43076531-C-T. GRCh37 (hg19) VCF-style: chr17-41228548-C-T.
Other names: c.4228G>A, p.Ala1410Thr (NM_001407571.1, NM_001407895.1, NM_001407896.1 and 12 more transcripts); c.4507G>A, p.Ala1503Thr (NM_001407581.1, NM_001407582.1); c.4504G>A, p.Ala1502Thr (NM_001407583.1, NM_001407585.1, NM_001407587.1 and 1 more transcripts); c.4501G>A, p.Ala1501Thr (NM_001407590.1, NM_001407591.1); c.4441G>A, p.Ala1481Thr (NM_001407593.1, NM_001407594.1, NM_001407596.1 and 8 more transcripts); c.4438G>A, p.Ala1480Thr (NM_001407610.1, NM_001407611.1, NM_001407612.1 and 17 more transcripts); c.4435G>A, p.Ala1479Thr (NM_001407627.1, NM_001407628.1, NM_001407629.1 and 14 more transcripts); c.4432G>A, p.Ala1478Thr (NM_001407644.1, NM_001407645.1); and 68 more; short protein forms A1481T, A1502T, A1434T, A377T, A1312T, A1353T, A1369T, A1432T.
Identifiers: ClinVar variation 431186 (VCV000431186.31), dbSNP rs1135401828, ClinGen allele CA10592655.